The following is an entry in ClinVar:

ClinVar aggregate classification (germline): Uncertain significance (1 of 4 stars; one submission).

Conditions:
Pheochromocytoma/paraganglioma syndrome 5. Also called: Paragangliomas 5; SDHA-Related Hereditary Paraganglioma-Pheochromocytoma Syndrome. Identifiers: Orphanet 29072, MedGen C3279992, MONDO:0013602, OMIM 614165.
Mitochondrial complex II deficiency, nuclear type 1. Also called: SUCCINATE CoQ REDUCTASE DEFICIENCY. Identifiers: Orphanet 3208, MedGen C5700310, MONDO:0100294, OMIM 252011.

Allele frequency attached by ClinVar (database versions not stated): TOPMed 0.00001.

Submission:

Labcorp Genetics (formerly Invitae), Labcorp
Classification: Uncertain significance for Pheochromocytoma/paraganglioma syndrome 5; Mitochondrial complex II deficiency, nuclear type 1. Last evaluated: 2024-09-18. Review status: criteria provided, single submitter. Criteria: Invitae Variant Classification Sherloc (09022015). Collection method: clinical testing. Allele origin: germline.
Comment: This sequence change replaces cysteine, which is neutral and slightly polar, with arginine, which is basic and polar, at codon 266 of the SDHA protein (p.Cys266Arg). This variant is not present in population databases (gnomAD no frequency). This variant has not been reported in the literature in individuals affected with SDHA-related conditions. ClinVar contains an entry for this variant (Variation ID: 645239). Invitae Evidence Modeling of protein sequence and biophysical properties (such as structural, functional, and spatial information, amino acid conservation, physicochemical variation, residue mobility, and thermodynamic stability) has been performed for this missense variant. However, the output from this modeling did not meet the statistical confidence thresholds required to predict the impact of this variant on SDHA protein function. In summary, the available evidence is currently insufficient to determine the role of this variant in disease. Therefore, it has been classified as a Variant of Uncertain Significance.

NM_004168.4(SDHA):c.796T>C (p.Cys266Arg)

Gene: SDHA (succinate dehydrogenase complex flavoprotein subunit A; plus strand). Cytogenetic location: 5p15.33.
Variant type: single nucleotide variant.
Coding change: c.796T>C on transcript NM_004168.4 (MANE Select); coding-DNA position 796, T replaced by C.
Protein change: p.Cys266Arg; replaces cysteine 266 with arginine.
Molecular consequence: missense variant.
Genome position (GRCh38, 1-based): chr5:230,901, T>C. VCF-style: chr5-230901-T-C. GRCh37 (hg19) VCF-style: chr5-231016-T-C.
Other names: c.652T>C, p.Cys218Arg (NM_001294332.2); c.796T>C, p.Cys266Arg (NM_001330758.2); short protein forms C218R, C266R.
Identifiers: ClinVar variation 645239 (VCV000645239.9), dbSNP rs1579397179, ClinGen allele CA359011595.